The following is an entry in ClinVar:

NM_138425.4(C12orf57):c.26C>T (p.Ala9Val)

Gene: C12orf57 (chromosome 12 open reading frame 57; plus strand). Cytogenetic location: 12p13.31.
Variant type: single nucleotide variant.
Coding change: c.26C>T on transcript NM_138425.4 (MANE Select); coding-DNA position 26, C replaced by T.
Protein change: p.Ala9Val; replaces alanine 9 with valine.
Molecular consequence: missense variant. On other transcripts: 5 prime UTR variant (1), non-coding transcript variant (1), intron variant (1).
Genome position (GRCh38, 1-based): chr12:6,944,147, C>T. VCF-style: chr12-6944147-C-T. GRCh37 (hg19) VCF-style: chr12-7053310-C-T.
Other names: c.26C>T, p.Ala9Val (NM_001301834.1, NM_001301837.2); c.-176C>T (NM_001301838.2); c.14-329C>T (NM_001301836.2); short protein forms A9V.
Identifiers: ClinVar variation 934000 (VCV000934000.7), dbSNP rs782364371, ClinGen allele CA6421180.

ClinVar aggregate classification (germline): Uncertain significance (1 of 4 stars; one submission).

Conditions:
Temtamy syndrome (TEMTYS). Also called: MENTAL RETARDATION WITH OR WITHOUT CRANIOFACIAL DYSMORPHISM, OCULAR COLOBOMA, OR ABNORMAL CORPUS CALLOSUM. Identifiers: Orphanet 1777, MedGen C1857512, MONDO:0009033, OMIM 218340.

Allele frequency attached by ClinVar (database versions not stated): gnomAD 0.00001; ExAC 0.00002; gnomAD exomes 0.00002; 1000 Genomes Project 30x 0.00016; 1000 Genomes Project 0.00020.
gnomAD v4.1: 19 of 1,614,234 alleles (0.0012%); highest among the groups gnomAD compares: Middle Eastern, 0.016%; no homozygotes.

Submission:

Labcorp Genetics (formerly Invitae), Labcorp
Classification: Uncertain significance for Temtamy syndrome. Last evaluated: 2022-08-15. Review status: criteria provided, single submitter. Criteria: Invitae Variant Classification Sherloc (09022015). Collection method: clinical testing. Allele origin: germline.
Comment: This sequence change replaces alanine, which is neutral and non-polar, with valine, which is neutral and non-polar, at codon 9 of the C12orf57 protein (p.Ala9Val). This variant is present in population databases (rs782364371, gnomAD 0.007%). This variant has not been reported in the literature in individuals affected with C12orf57-related conditions. ClinVar contains an entry for this variant (Variation ID: 934000). Algorithms developed to predict the effect of missense changes on protein structure and function output the following: SIFT: "Tolerated"; PolyPhen-2: "Benign"; Align-GVGD: "Class C0". The valine amino acid residue is found in multiple mammalian species, which suggests that this missense change does not adversely affect protein function. In summary, the available evidence is currently insufficient to determine the role of this variant in disease. Therefore, it has been classified as a Variant of Uncertain Significance.